The following is an entry in ClinVar:

NM_000277.3(PAH):c.871G>T (p.Val291Leu)

Genes: PAH (phenylalanine hydroxylase; minus strand), LOC126861615 (CDK7 strongly-dependent group 2 enhancer GRCh37_chr12:103244689-103245888; plus strand). Cytogenetic location: 12q23.2.
Variant type: single nucleotide variant.
Coding change: c.871G>T on transcript NM_000277.3 (MANE Select); coding-DNA position 871, G replaced by T.
Protein change: p.Val291Leu; replaces valine 291 with leucine.
Molecular consequence: missense variant.
Genome position (GRCh38, 1-based): chr12:102,851,728, C>A on the plus strand (G>T on the coding strand, the complement: PAH is on the minus strand). VCF-style: chr12-102851728-C-A. GRCh37 (hg19) VCF-style: chr12-103245506-C-A.
Other names: c.871G>T, p.Val291Leu (NM_001354304.2); short protein forms V291L.
Identifiers: ClinVar variation 932255 (VCV000932255.1), dbSNP rs1875160008, ClinGen allele CA16020880.

ClinVar aggregate classification (germline): Uncertain significance (3 of 4 stars; one submission).

Conditions:
Phenylketonuria (PKU). Also called: OLIGOPHRENIA PHENYLPYRUVICA; Phenylketonurias; Phenylketonuria (PKU); FOLLING DISEASE. Identifiers: Orphanet 716, MedGen C0031485, MONDO:0009861, OMIM 261600. Disease mechanism: loss of function.

Submission:

ClinGen PAH Variant Curation Expert Panel
Classification: Uncertain significance for Phenylketonuria. Last evaluated: 2020-06-18. Review status: reviewed by expert panel. Criteria: ClinGen PAH ACMG Specifications v1. Collection method: curation. Allele origin: germline. Inheritance: Autosomal recessive inheritance.
Comment: A deleterious effect is predicted by multiple lines of computational evidence. In summary, this variant meets criteria to be classified as uncertain significance for PAH. PAH-specific ACMG/AMP criteria applied: PP4_Moderate, PM2, PP3.

Literature cited by the submitters: PubMed 29499199; PubMed 26503515.